The following is an entry in ClinVar:

ClinVar aggregate classification (germline): Uncertain significance (1 of 4 stars; one submission).

Conditions:
Isolated microphthalmia 5. Also called: Posterior Microphthalmia with Retinitis Pigmentosa, Foveoschisis, and Optic Disc Drusen. Identifiers: Orphanet 251279, MedGen C1970236, MONDO:0012605, OMIM 611040.

Allele frequency attached by ClinVar (database versions not stated): gnomAD exomes below 0.00001.
gnomAD v4.1: 2 of 1,614,082 alleles (0.00012%); highest among the groups gnomAD compares: East Asian, 0.0022%; no homozygotes.

Submission:

Labcorp Genetics (formerly Invitae), Labcorp
Classification: Uncertain significance for Isolated microphthalmia 5. Last evaluated: 2020-12-10. Review status: criteria provided, single submitter. Criteria: Invitae Variant Classification Sherloc (09022015). Collection method: clinical testing. Allele origin: germline.
Comment: This variant is not present in population databases (ExAC no frequency). In summary, the available evidence is currently insufficient to determine the role of this variant in disease. Therefore, it has been classified as a Variant of Uncertain Significance. Algorithms developed to predict the effect of missense changes on protein structure and function are either unavailable or do not agree on the potential impact of this missense change (SIFT: "Tolerated"; PolyPhen-2: "Probably Damaging"; Align-GVGD: "Class C0"). This variant has not been reported in the literature in individuals with MFRP-related conditions. This sequence change replaces glutamic acid with lysine at codon 291 of the MFRP protein (p.Glu291Lys). The glutamic acid residue is highly conserved and there is a small physicochemical difference between glutamic acid and lysine.

NM_031433.4(MFRP):c.871G>A (p.Glu291Lys)

Genes: C1QTNF5 (C1q and TNF related 5; minus strand), MFRP (membrane frizzled-related protein; minus strand). Cytogenetic location: 11q23.3.
Variant type: single nucleotide variant.
Coding change: c.871G>A on transcript NM_031433.4 (MANE Select); coding-DNA position 871, G replaced by A.
Protein change: p.Glu291Lys; replaces glutamic acid 291 with lysine.
Molecular consequence: missense variant. On other transcripts: 5 prime UTR variant (1).
Genome position (GRCh38, 1-based): chr11:119,344,659, C>T on the plus strand (G>A on the coding strand, the complement: MFRP is on the minus strand). VCF-style: chr11-119344659-C-T. GRCh37 (hg19) VCF-style: chr11-119215369-C-T.
Other names: c.-1766G>A (NM_015645.5); short protein forms E291K.
Identifiers: ClinVar variation 1412753 (VCV001412753.8), dbSNP rs2135372066, ClinGen allele CA382976495.